The following is an entry in ClinVar:

ClinVar aggregate classification (germline): Uncertain significance (1 of 4 stars; one submission).

Conditions:
Hyperaldosteronism, familial, type IV (HALD4). Also called: FH IV; ALDOSTERONISM, PRIMARY, AND HYPERTENSION. Identifiers: Orphanet 642671, MedGen C4310756, MONDO:0014875, OMIM 617027.
Idiopathic generalized epilepsy. Also called: Generalised epilepsy; EIG. Identifiers: MedGen C0270850, MONDO:0005579, OMIM 600669.

Submission:

Labcorp Genetics (formerly Invitae), Labcorp
Classification: Uncertain significance for Idiopathic generalized epilepsy; Hyperaldosteronism, familial, type IV. Last evaluated: 2022-07-12. Review status: criteria provided, single submitter. Criteria: Invitae Variant Classification Sherloc (09022015). Collection method: clinical testing. Allele origin: germline.
Comment: This sequence change replaces valine, which is neutral and non-polar, with alanine, which is neutral and non-polar, at codon 1629 of the CACNA1H protein (p.Val1629Ala). This variant is not present in population databases (gnomAD no frequency). This variant has not been reported in the literature in individuals affected with CACNA1H-related conditions. ClinVar contains an entry for this variant (Variation ID: 529619). Advanced modeling of protein sequence and biophysical properties (such as structural, functional, and spatial information, amino acid conservation, physicochemical variation, residue mobility, and thermodynamic stability) performed at Invitae indicates that this missense variant is not expected to disrupt CACNA1H protein function. In summary, the available evidence is currently insufficient to determine the role of this variant in disease. Therefore, it has been classified as a Variant of Uncertain Significance.

NM_021098.3(CACNA1H):c.4886T>C (p.Val1629Ala)

Gene: CACNA1H (calcium voltage-gated channel subunit alpha1 H; plus strand). Cytogenetic location: 16p13.3.
Variant type: single nucleotide variant.
Coding change: c.4886T>C on transcript NM_021098.3 (MANE Select); coding-DNA position 4886, T replaced by C.
Protein change: p.Val1629Ala; replaces valine 1629 with alanine.
Molecular consequence: missense variant.
Genome position (GRCh38, 1-based): chr16:1,213,888, T>C. VCF-style: chr16-1213888-T-C. GRCh37 (hg19) VCF-style: chr16-1263888-T-C.
Other names: c.4868T>C, p.Val1623Ala (NM_001005407.2); short protein forms V1629A, V1623A.
Identifiers: ClinVar variation 529619 (VCV000529619.8), dbSNP rs1555518486, ClinGen allele CA394145529.